The following is an entry in ClinVar:

ClinVar aggregate classification (germline): Uncertain significance. Review status: criteria provided, multiple submitters, no conflicts (2 of 4 stars). 3 submissions from 3 submitters: Uncertain significance (3). Last evaluated 2024-07-25.

Conditions:
Inborn genetic diseases. Identifiers: MedGen C0950123, MeSH D030342.
Combined immunodeficiency due to DOCK8 deficiency (HIES2). Also called: HIES autosomal recessive; Hyper-IgE recurrent infection syndrome, autosomal recessive; HYPER-IgE SYNDROME 2, AUTOSOMAL RECESSIVE, WITH RECURRENT INFECTIONS; DOCK8 Deficiency; HYPER-IgE RECURRENT INFECTION SYNDROME 2, AUTOSOMAL RECESSIVE. Identifiers: Orphanet 217390, MedGen C4722305, MONDO:0009478, OMIM 243700.

Allele frequency attached by ClinVar (database versions not stated): gnomAD exomes 0.00002; ExAC 0.00003; gnomAD 0.00005 and 0.00006; TOPMed 0.00006; ESP Exome Variant Server 0.00008.
gnomAD v4.1: 37 of 1,613,952 alleles (0.0023%); highest among the groups gnomAD compares: Middle Eastern, 0.016%; no homozygotes.

Submissions (3):

Ambry Genetics
Classification: Uncertain significance for Inborn genetic diseases. Last evaluated: 2024-07-25. Review status: criteria provided, single submitter. Criteria: Ambry Variant Classification Scheme 2023. Collection method: clinical testing. Allele origin: germline.

Labcorp Genetics (formerly Invitae), Labcorp
Classification: Uncertain significance for Combined immunodeficiency due to DOCK8 deficiency. Last evaluated: 2022-01-20. Review status: criteria provided, single submitter. Criteria: Invitae Variant Classification Sherloc (09022015). Collection method: clinical testing. Allele origin: germline.
Comment: This sequence change replaces asparagine, which is neutral and polar, with serine, which is neutral and polar, at codon 696 of the DOCK8 protein (p.Asn696Ser). This variant is present in population databases (rs149521894, gnomAD 0.02%). This variant has not been reported in the literature in individuals affected with DOCK8-related conditions. ClinVar contains an entry for this variant (Variation ID: 913616). Algorithms developed to predict the effect of missense changes on protein structure and function (SIFT, PolyPhen-2, Align-GVGD) all suggest that this variant is likely to be tolerated. In summary, the available evidence is currently insufficient to determine the role of this variant in disease. Therefore, it has been classified as a Variant of Uncertain Significance.

Illumina Laboratory Services, Illumina
Classification: Uncertain significance for Combined immunodeficiency due to DOCK8 deficiency. Last evaluated: 2018-01-12. Review status: criteria provided, single submitter. Criteria: ICSL Variant Classification Criteria 13 December 2019. Collection method: clinical testing. Allele origin: germline.

NM_203447.4(DOCK8):c.2087A>G (p.Asn696Ser)

Gene: DOCK8 (dedicator of cytokinesis 8; plus strand). Cytogenetic location: 9p24.3.
Variant type: single nucleotide variant.
Coding change: c.2087A>G on transcript NM_203447.4 (MANE Select); coding-DNA position 2087, A replaced by G.
Protein change: p.Asn696Ser; replaces asparagine 696 with serine.
Molecular consequence: missense variant.
Genome position (GRCh38, 1-based): chr9:372,264, A>G. VCF-style: chr9-372264-A-G. GRCh37 (hg19) VCF-style: chr9-372264-A-G.
Other names: c.1883A>G, p.Asn628Ser (NM_001190458.2, NM_001193536.2); short protein forms N628S, N696S.
Identifiers: ClinVar variation 913616 (VCV000913616.6), dbSNP rs149521894, ClinGen allele CA4958061.